The following is an entry in ClinVar:

NM_001130438.3(SPTAN1):c.315_316insA (p.Gly106fs)

Gene: SPTAN1 (spectrin alpha, non-erythrocytic 1; plus strand). Cytogenetic location: 9q34.11.
Variant type: Insertion.
Coding change: c.315_316insA on transcript NM_001130438.3 (MANE Select); coding-DNA positions 315 to 316, A inserted.
Protein change: p.Gly106fs; shifts the reading frame from glycine 106.
Molecular consequence: frameshift variant.
Genome position: GRCh38 VCF-style: chr9-128568849-T-TA. GRCh37 (hg19) VCF-style: chr9-131331128-T-TA.
Other names: c.315_316insA, p.Gly106fs (NM_001363759.2, NM_001363765.2, NM_001375310.1 and 5 more transcripts); c.351_352insA, p.Gly118fs (NM_001375312.2, NM_001375318.1); short protein forms G106fs, G118fs.
Identifiers: ClinVar variation 2659537 (VCV002659537.24), dbSNP rs2540930729, ClinGen allele CA2695199412.
Genomic context (GRCh38, chr9:128,568,849, plus strand): 5'-TCAAGCATTTGAAGCTGAAGTGCAGGCCAACTCAGGAGCCATTGTTAAGCTGGATGAAAC[T>TA]GGAAACCTGATGATCTCAGAAGGGCATTTTGCATCTGAAACCATACGGGTGAGTATGAGT-3'

ClinVar aggregate classification (germline): Pathogenic (1 of 4 stars; one submission).

Submission:

CeGaT Center for Human Genetics Tuebingen
Classification: Pathogenic. Last evaluated: 2023-10-01. Review status: criteria provided, single submitter. Criteria: CeGaT Center For Human Genetics Tuebingen Variant Classification Criteria Version 2. Collection method: clinical testing. Allele origin: germline. Affected: yes. Observed: 1 variant allele.
Comment: SPTAN1: PVS1, PM2